The following is an entry in ClinVar:

ClinVar aggregate classification (germline): Likely benign. Review status: criteria provided, multiple submitters, no conflicts (2 of 4 stars). 4 submissions from 4 submitters: Likely benign (2). 2 of the submissions do not count toward it. Last evaluated 2026-01-12.

Conditions:
Bardet-Biedl syndrome (BBS). Identifiers: Orphanet 110, MedGen C0752166, MONDO:0015229.
Bardet-Biedl syndrome 1 (BBS1). Identifiers: MedGen C2936862, MONDO:0008854, OMIM 209900. Disease mechanism: loss of function.
BBS1-related disorder. Also called: BBS1-related condition.

Allele frequency attached by ClinVar (database versions not stated): gnomAD 0.00002; gnomAD exomes 0.00002; TOPMed 0.00002; ExAC 0.00003.
gnomAD v4.1: 41 of 1,613,836 alleles (0.0025%); highest among the groups gnomAD compares: East Asian, 0.036%; no homozygotes.

Submissions (4):

Labcorp Genetics (formerly Invitae), Labcorp
Classification: Likely benign for Bardet-Biedl syndrome. Last evaluated: 2026-01-12. Review status: criteria provided, single submitter. Criteria: Invitae Variant Classification Sherloc (09022015). Collection method: clinical testing. Allele origin: germline.

Blueprint Genetics
Classification: Likely benign. Last evaluated: 2021-08-25. Review status: criteria provided, single submitter. Criteria: ACMG Guidelines, 2015. Collection method: clinical testing. Allele origin: germline.

Natera, Inc.
Classification: Likely benign for Bardet-Biedl syndrome type 1. Last evaluated: 2020-12-02. Review status: no assertion criteria provided. Collection method: clinical testing. Allele origin: germline. Not counted in ClinVar's aggregate classification.

PreventionGenetics, part of Exact Sciences
Classification: Likely benign for BBS1-related condition. Last evaluated: 2020-05-07. Review status: no assertion criteria provided. Collection method: clinical testing. Allele origin: germline. Not counted in ClinVar's aggregate classification.
Comment: This variant is classified as likely benign based on ACMG/AMP sequence variant interpretation guidelines (Richards et al. 2015 PMID: 25741868, with internal and published modifications).

NM_024649.5(BBS1):c.1695+9C>T

Genes: BBS1 (Bardet-Biedl syndrome 1; plus strand), ZDHHC24 (zDHHC palmitoyltransferase 24; minus strand). Cytogenetic location: 11q13.2.
Variant type: single nucleotide variant.
Coding change: c.1695+9C>T on transcript NM_024649.5 (MANE Select); 9 bases into the intron after coding-DNA position 1695, C replaced by T.
Molecular consequence: intron variant.
Genome position (GRCh38, 1-based): chr11:66,531,751, C>T. VCF-style: chr11-66531751-C-T. GRCh37 (hg19) VCF-style: chr11-66299222-C-T.
Other names: c.560-2263G>A (NM_001348571.2).
Identifiers: ClinVar variation 700447 (VCV000700447.15), dbSNP rs756514477, ClinGen allele CA6123857.
Genomic context (GRCh38, chr11:66,531,751, plus strand): 5'-GGAGACCTTTGTGGAGAGTCTCAGTAACAAGGGCATCTCAGACATCATCAAGGTAGGCCC[C>T]GCACTTGTACCACGTGGAAGGTGAGCAGGACCCTGGGGAGGACAGTAAGGGTGAGTGCCA-3'